The following is an entry in ClinVar:

ClinVar aggregate classification (germline): Uncertain significance (1 of 4 stars; one submission).

Submission:

GeneDx
Classification: Uncertain significance. Last evaluated: 2024-11-08. Review status: criteria provided, single submitter. Criteria: GeneDx Variant Classification Process June 2021. Collection method: clinical testing. Allele origin: germline. Affected: yes.
Comment: Frameshift variant predicted to result in protein truncation or nonsense mediated decay in a region of a gene for which loss of function is not a well-established mechanism of disease; Not observed at significant frequency in large population cohorts (gnomAD); Has not been previously published as pathogenic or benign to our knowledge

NM_001267550.2(TTN):c.26622_26625del (p.Lys8875fs)

Gene: TTN (titin; minus strand). Cytogenetic location: 2q31.2.
Variant type: Deletion.
Coding change: c.26622_26625del on transcript NM_001267550.2 (MANE Select); coding-DNA positions 26622 to 26625, 4 bases deleted (CAAA; older notation c.26622_26625delCAAA).
Protein change: p.Lys8875fs; shifts the reading frame from lysine 8875.
Molecular consequence: frameshift variant. On other transcripts: intron variant (3).
Genome position (GRCh38, 1-based): chr2:178,714,033-178,714,036, TTTG deleted on the plus strand (CAAA on the coding strand, the reverse complement: TTN is on the minus strand); deleting any 4 consecutive bases within chr2:178,714,033-178,714,038 gives the same sequence; the c. name uses the placement nearest the transcript's 3' end. VCF-style (leftmost placement, unchanged base first): chr2-178714032-ATTTG-A. GRCh37 (hg19) VCF-style: chr2-179578759-ATTTG-A.
Other names: c.25671_25674del, p.Lys8558fs (NM_001256850.1); c.26620_26623delAACA, p.Lys8875Thrfs (NM_001267550.1); c.22890_22893del, p.Lys7631fs (NM_133378.4); c.13282+24046_13282+24049del (NM_003319.4); c.13858+24046_13858+24049del (NM_133437.4); c.13657+24046_13657+24049del (NM_133432.3); short protein forms K7631fs, K8558fs, K8875fs.
Identifiers: ClinVar variation 3899602 (VCV003899602.1).